The following is an entry in ClinVar:

NM_006329.4(FBLN5):c.178G>C (p.Val60Leu)

Gene: FBLN5 (fibulin 5; minus strand). Cytogenetic location: 14q32.12.
Variant type: single nucleotide variant.
Coding change: c.178G>C on transcript NM_006329.4 (MANE Select); coding-DNA position 178, G replaced by C.
Protein change: p.Val60Leu; replaces valine 60 with leucine.
Molecular consequence: missense variant.
Genome position (GRCh38, 1-based): chr14:91,937,148, C>G on the plus strand (G>C on the coding strand, the complement: FBLN5 is on the minus strand). VCF-style: chr14-91937148-C-G. GRCh37 (hg19) VCF-style: chr14-92403492-C-G.
Other names: c.178G>C (NM_006329.3); c.301G>C, p.Val101Leu (NM_001384158.1); c.229G>C, p.Val77Leu (NM_001384159.1); c.178G>C, p.Val60Leu (NM_001384160.1); c.10G>C, p.Val4Leu (NM_001384161.1, NM_001384162.1); short protein forms V60L, V101L, V4L, V77L.
Identifiers: ClinVar variation 5477 (VCV000005477.10), dbSNP rs121434299, ClinGen allele CA213136.

ClinVar aggregate classification (germline): Uncertain significance. Review status: criteria provided, single submitter (1 of 4 stars). 4 submissions from 4 submitters: Uncertain significance (1). 3 of the submissions do not count toward it. Last evaluated 2025-01-13.

Conditions:
FBLN5-related disorder. Also called: FBLN5-related condition.
Age-related macular degeneration (ARMD). Also called: MACULAR DEGENERATION, AGE-RELATED, REDUCED RISK OF. Identifiers: MedGen C0242383, MONDO:0005150.
Macular degeneration, age-related, 3 (ARMD3). Identifiers: Orphanet 280598, MedGen C1837187, MONDO:0012145, OMIM 608895.

Allele frequency attached by ClinVar (database versions not stated): gnomAD 0.00001 and 0.00002; gnomAD exomes 0.00001; ExAC 0.00002; TOPMed 0.00002; ESP Exome Variant Server 0.00023.
gnomAD v4.1: 105 of 1,614,018 alleles (0.0065%); highest among the groups gnomAD compares: Non-Finnish European, 0.0084%; no homozygotes.

Submissions (4):

Labcorp Genetics (formerly Invitae), Labcorp
Classification: Uncertain significance. Last evaluated: 2025-01-13. Review status: criteria provided, single submitter. Criteria: Invitae Variant Classification Sherloc (09022015). Collection method: clinical testing. Allele origin: germline.
Comment: This sequence change replaces valine, which is neutral and non-polar, with leucine, which is neutral and non-polar, at codon 60 of the FBLN5 protein (p.Val60Leu). This variant is present in population databases (rs121434299, gnomAD 0.004%). This variant has not been reported in the literature in individuals affected with FBLN5-related conditions. ClinVar contains an entry for this variant (Variation ID: 5477). An algorithm developed to predict the effect of missense changes on protein structure and function (PolyPhen-2) suggests that this variant is likely to be disruptive. Experimental studies have shown that this missense change does not substantially affect FBLN5 function (PMID: 16652333, 20007835). In summary, the available evidence is currently insufficient to determine the role of this variant in disease. Therefore, it has been classified as a Variant of Uncertain Significance.

PreventionGenetics, part of Exact Sciences
Classification: Uncertain significance for FBLN5-related condition. Last evaluated: 2024-09-26. Review status: no assertion criteria provided. Collection method: clinical testing. Allele origin: germline. Not counted in ClinVar's aggregate classification.
Comment: The FBLN5 c.178G>C variant is predicted to result in the amino acid substitution p.Val60Leu. This variant was reported, heterozygous, in an individual with age-related macular degeneration (Stone et al 2004. PubMed ID: 15269314). This variant is reported in 0.0032% of alleles in individuals of European (Non-Finnish) descent in gnomAD. In vitro functional characterization showed that this variant did not affect the dimerization or the aggregation of fibulin 5 (Jones et al. 2009. PubMed ID: 20007835). At this time, the clinical significance of this variant is uncertain due to the absence of conclusive functional and genetic evidence.

Inherited Neuropathy Consortium Ii, University Of Miami
Classification: Uncertain significance. Last evaluated: 2016-01-06. Review status: no assertion criteria provided. Collection method: literature only. Allele origin: germline. Affected: yes. Not counted in ClinVar's aggregate classification.

OMIM
Classification: Pathogenic for MACULAR DEGENERATION, AGE-RELATED, 3. Last evaluated: 2004-07-22. Review status: no assertion criteria provided. Collection method: literature only. Allele origin: germline. Not counted in ClinVar's aggregate classification.

Literature cited by the submitters: PubMed 16652333 (cited by Labcorp Genetics (formerly Invitae), Labcorp); PubMed 20007835 (cited by Labcorp Genetics (formerly Invitae), Labcorp); PubMed 15269314 (cited by Inherited Neuropathy Consortium Ii, University Of Miami and OMIM).